The following is an entry in ClinVar:

NM_001352027.3(PHF21A):c.1979C>T (p.Thr660Met)

Gene: PHF21A (PHD finger protein 21A; minus strand). Cytogenetic location: 11p11.2.
Variant type: single nucleotide variant.
Coding change: c.1979C>T on transcript NM_001352027.3 (MANE Select); coding-DNA position 1979, C replaced by T.
Protein change: p.Thr660Met; replaces threonine 660 with methionine.
Molecular consequence: missense variant. On other transcripts: non-coding transcript variant (2).
Genome position (GRCh38, 1-based): chr11:45,934,035, G>A on the plus strand (C>T on the coding strand, the complement: PHF21A is on the minus strand). VCF-style: chr11-45934035-G-A. GRCh37 (hg19) VCF-style: chr11-45955586-G-A.
Other names: c.1838C>T, p.Thr613Met (NM_016621.5, NM_001352028.1, NM_001352029.1); c.1976C>T, p.Thr659Met (NM_001101802.3); c.1979C>T, p.Thr660Met (NM_001352025.3, NM_001352026.3); c.1835C>T, p.Thr612Met (NM_001352030.3, NM_001352031.3, NM_001352032.3); short protein forms T659M, T660M, T613M, T612M.
Identifiers: ClinVar variation 2976797 (VCV002976797.3), dbSNP rs148557580, ClinGen allele CA5960913.

ClinVar aggregate classification (germline): Uncertain significance (1 of 4 stars; one submission).

Allele frequency attached by ClinVar (database versions not stated): TOPMed 0.00002; ExAC 0.00004; gnomAD 0.00004; ESP Exome Variant Server 0.00008; gnomAD exomes 0.00008.
gnomAD v4.1: 117 of 1,612,942 alleles (0.0073%); highest among the groups gnomAD compares: East Asian, 0.011%; 1 homozygote.

Submission:

Labcorp Genetics (formerly Invitae), Labcorp
Classification: Uncertain significance. Last evaluated: 2024-12-10. Review status: criteria provided, single submitter. Criteria: Invitae Variant Classification Sherloc (09022015). Collection method: clinical testing. Allele origin: germline.
Comment: This sequence change replaces threonine, which is neutral and polar, with methionine, which is neutral and non-polar, at codon 659 of the PHF21A protein (p.Thr659Met). This variant is present in population databases (rs148557580, gnomAD 0.02%), including at least one homozygous and/or hemizygous individual. This variant has not been reported in the literature in individuals affected with PHF21A-related conditions. ClinVar contains an entry for this variant (Variation ID: 2976797). Invitae Evidence Modeling of protein sequence and biophysical properties (such as structural, functional, and spatial information, amino acid conservation, physicochemical variation, residue mobility, and thermodynamic stability) indicates that this missense variant is not expected to disrupt PHF21A protein function with a negative predictive value of 80%. In summary, the available evidence is currently insufficient to determine the role of this variant in disease. Therefore, it has been classified as a Variant of Uncertain Significance.